The following is an entry in ClinVar:

ClinVar aggregate classification (germline): Uncertain significance. Review status: criteria provided, multiple submitters, no conflicts (2 of 4 stars). 2 submissions from 2 submitters: Uncertain significance (2). Last evaluated 2024-09-30.

gnomAD v4.1: 27 of 1,613,578 alleles (0.0017%); highest among the groups gnomAD compares: South Asian, 0.024%; no homozygotes.

Submissions (2):

Ambry Genetics
Classification: Uncertain significance. Last evaluated: 2024-09-30. Review status: criteria provided, single submitter. Criteria: Ambry Variant Classification Scheme 2023. Collection method: clinical testing. Allele origin: germline.

Labcorp Genetics (formerly Invitae), Labcorp
Classification: Uncertain significance. Last evaluated: 2024-03-27. Review status: criteria provided, single submitter. Criteria: Invitae Variant Classification Sherloc (09022015). Collection method: clinical testing. Allele origin: germline.
Comment: This sequence change replaces methionine, which is neutral and non-polar, with valine, which is neutral and non-polar, at codon 24 of the CLUAP1 protein (p.Met24Val). This variant is present in population databases (rs760629659, gnomAD 0.03%). This variant has not been reported in the literature in individuals affected with CLUAP1-related conditions. Advanced modeling of protein sequence and biophysical properties (such as structural, functional, and spatial information, amino acid conservation, physicochemical variation, residue mobility, and thermodynamic stability) performed at Invitae indicates that this missense variant is not expected to disrupt CLUAP1 protein function with a negative predictive value of 80%. In summary, the available evidence is currently insufficient to determine the role of this variant in disease. Therefore, it has been classified as a Variant of Uncertain Significance.

NM_015041.3(CLUAP1):c.70A>G (p.Met24Val)

Gene: CLUAP1 (clusterin associated protein 1; plus strand). Cytogenetic location: 16p13.3.
Variant type: single nucleotide variant.
Coding change: c.70A>G on transcript NM_015041.3 (MANE Select); coding-DNA position 70, A replaced by G.
Protein change: p.Met24Val; replaces methionine 24 with valine.
Molecular consequence: missense variant.
Genome position (GRCh38, 1-based): chr16:3,504,767, A>G. VCF-style: chr16-3504767-A-G. GRCh37 (hg19) VCF-style: chr16-3554767-A-G.
Other names: c.70A>G, p.Met24Val (NM_001330454.2); short protein forms M24V.
Identifiers: ClinVar variation 3494021 (VCV003494021.3).